The following is an entry in ClinVar:

ClinVar aggregate classification (germline): Benign (0 of 4 stars; one submission).

Conditions:
CCDC18-related disorder. Also called: CCDC18-related condition.

Allele frequency attached by ClinVar (database versions not stated): 1000 Genomes Project 30x 0.00219; 1000 Genomes Project 0.00240; TOPMed 0.00458; ESP Exome Variant Server 0.00498; gnomAD 0.00540; ExAC 0.00604; gnomAD exomes 0.00780.
gnomAD v4.1: 12,145 of 1,613,256 alleles (0.75%); highest among the groups gnomAD compares: Non-Finnish European, 0.88%; 59 homozygotes.

Submission:

PreventionGenetics, part of Exact Sciences
Classification: Benign for CCDC18-related condition. Last evaluated: 2019-04-11. Review status: no assertion criteria provided. Collection method: clinical testing. Allele origin: germline.
Comment: This variant is classified as benign based on ACMG/AMP sequence variant interpretation guidelines (Richards et al. 2015 PMID: 25741868, with internal and published modifications).

NM_001378204.1(CCDC18):c.3843G>A (p.Arg1281=)

Gene: CCDC18 (coiled-coil domain containing 18; plus strand). Cytogenetic location: 1p22.1.
Variant type: single nucleotide variant.
Coding change: c.3843G>A on transcript NM_001378204.1 (MANE Select); coding-DNA position 3843, G replaced by A.
Protein change: p.Arg1281=; no amino-acid change (arginine 1281 retained).
Molecular consequence: synonymous variant.
Genome position (GRCh38, 1-based): chr1:93,264,859, G>A. VCF-style: chr1-93264859-G-A. GRCh37 (hg19) VCF-style: chr1-93730416-G-A.
Other names: c.3840G>A, p.Arg1280= (NM_001306076.1); c.3843G>A, p.Arg1281= (NM_206886.4).
Identifiers: ClinVar variation 3034057 (VCV003034057.2), dbSNP rs150053356, ClinGen allele CA954696.